The following is an entry in ClinVar:

NM_001042492.3(NF1):c.1299T>A (p.Tyr433Ter)

Gene: NF1 (neurofibromin 1; plus strand). Cytogenetic location: 17q11.2.
Variant type: single nucleotide variant.
Coding change: c.1299T>A on transcript NM_001042492.3 (MANE Select); coding-DNA position 1299, T replaced by A.
Protein change: p.Tyr433Ter; replaces tyrosine 433 with a stop codon.
Molecular consequence: nonsense.
Genome position (GRCh38, 1-based): chr17:31,206,278, T>A. VCF-style: chr17-31206278-T-A. GRCh37 (hg19) VCF-style: chr17-29533296-T-A.
Other names: c.1299T>A, p.Tyr433Ter (NM_000267.4, NM_001128147.3); short protein forms Y433*.
Identifiers: ClinVar variation 232960 (VCV000232960.8), dbSNP rs876660099, ClinGen allele CA10580218.

ClinVar aggregate classification (germline): Pathogenic. Review status: criteria provided, multiple submitters, no conflicts (2 of 4 stars). 4 submissions from 4 submitters: Pathogenic (4). Last evaluated 2025-10-11.

Conditions:
Hereditary cancer-predisposing syndrome. Also called: Tumor predisposition; Hereditary Cancer Syndrome; Neoplastic Syndromes, Hereditary; Hereditary neoplastic syndrome. Identifiers: Orphanet 140162, MedGen C0027672, MeSH D009386, MONDO:0015356.
Neurofibromatosis, type 1 (NF1). Also called: Neurofibromatosis, type I; NEUROFIBROMATOSIS, TYPE I, SOMATIC; VON RECKLINGHAUSEN DISEASE; Peripheral type neurofibromatosis. Identifiers: Orphanet 636, MedGen C0027831, MONDO:0018975, OMIM 162200. Disease mechanism: loss of function.

Submissions (4):

Dasa
Classification: Pathogenic. Last evaluated: 2025-10-11. Review status: criteria provided, single submitter. Criteria: DASA Assertion Criteria. Collection method: clinical testing. Allele origin: germline.
Comment: NM_001042492.3(NF1):c.1299T>A (p.Tyr433*) introduces a premature termination codon predicted to result in loss of normal protein function. Loss-of-function is an established mechanism of disease for this gene. This variant has been reported in individuals with related phenotype (PMID: 16306205). The variant is present at low frequency in population datasets. Based on the available data, this variant is classified as pathogenic.

3billion
Classification: Pathogenic for Neurofibromatosis, type 1. Last evaluated: 2025-06-17. Review status: criteria provided, single submitter. Criteria: ACMG Guidelines, 2015. Collection method: clinical testing. Allele origin: germline. Affected: yes.
Comment: The variant is not observed in the gnomAD v4.1.0 dataset. Predicted Consequence/Location: Stop-gained (nonsense): predicted to result in a loss or disruption of normal protein function through nonsense-mediated decay (NMD) or protein truncation. Multiple pathogenic variants are reported downstream of the variant. The variant has been reported at least twice as pathogenic without evidence for the classification (ClinVar ID: VCV000232960 /PMID: 16306205). Therefore, this variant is classified as Pathogenic according to the recommendation of ACMG/AMP guideline.

Labcorp Genetics (formerly Invitae), Labcorp
Classification: Pathogenic for Neurofibromatosis, type 1. Last evaluated: 2023-10-30. Review status: criteria provided, single submitter. Criteria: Invitae Variant Classification Sherloc (09022015). Collection method: clinical testing. Allele origin: germline.
Comment: This sequence change creates a premature translational stop signal (p.Tyr433*) in the NF1 gene. It is expected to result in an absent or disrupted protein product. Loss-of-function variants in NF1 are known to be pathogenic (PMID: 10712197, 23913538). This variant is not present in population databases (gnomAD no frequency). This premature translational stop signal has been observed in individual(s) with clinical features of neurofibromatosis type 1 (PMID: 16306205). ClinVar contains an entry for this variant (Variation ID: 232960). For these reasons, this variant has been classified as Pathogenic.

Ambry Genetics
Classification: Pathogenic for Hereditary cancer-predisposing syndrome. Last evaluated: 2015-07-15. Review status: criteria provided, single submitter. Criteria: Ambry Autosomal Dominant and X-Linked criteria (10/2015). Collection method: clinical testing. Allele origin: germline. Observed: 1 variant allele.
Comment: The p.Y433* pathogenic mutation (also known as c.1299T>A) located in coding exon 12 of the NF1 gene, results from a T to A substitution at nucleotide position 1299. This changes the amino acid from a tyrosine to a stop codon.

Literature cited by the submitters: PubMed 16306205 (cited by 4 submitters); PubMed 10712197 (cited by Labcorp Genetics (formerly Invitae), Labcorp); PubMed 23913538 (cited by Labcorp Genetics (formerly Invitae), Labcorp).